The following is an entry in ClinVar:

NM_174878.3(CLRN1):c.189C>T (p.Tyr63=)

Gene: CLRN1 (clarin 1; minus strand). Cytogenetic location: 3q25.1.
Variant type: single nucleotide variant.
Coding change: c.189C>T on transcript NM_174878.3 (MANE Select); coding-DNA position 189, C replaced by T.
Protein change: p.Tyr63=; no amino-acid change (tyrosine 63 retained).
Molecular consequence: synonymous variant. On other transcripts: non-coding transcript variant (1).
Genome position (GRCh38, 1-based): chr3:150,972,520, G>A on the plus strand (C>T on the coding strand, the complement: CLRN1 is on the minus strand). VCF-style: chr3-150972520-G-A. GRCh37 (hg19) VCF-style: chr3-150690307-G-A.
Other names: c.189C>T, p.Tyr63= (NM_001195794.1, NM_001256819.2).
Identifiers: ClinVar variation 1113526 (VCV001113526.10), dbSNP rs111033267, ClinGen allele CA2666194.

ClinVar aggregate classification (germline): Likely benign. Review status: criteria provided, multiple submitters, no conflicts (2 of 4 stars). 2 submissions from 2 submitters: Likely benign (2). Last evaluated 2024-12-31.

Conditions:
CLRN1-related disorder. Also called: CLRN1-related condition.

Allele frequency attached by ClinVar (database versions not stated): ExAC 0.00001.
gnomAD v4.1: 4 of 1,614,176 alleles (0.00025%); highest among the groups gnomAD compares: African/African-American, 0.0027%; no homozygotes.

Submissions (2):

PreventionGenetics, part of Exact Sciences
Classification: Likely benign for CLRN1-related condition. Last evaluated: 2024-12-31. Review status: criteria provided, single submitter. Criteria: ACMG Guidelines, 2015. Collection method: clinical testing. Allele origin: germline.
Comment: This variant is classified as likely benign based on ACMG/AMP sequence variant interpretation guidelines (Richards et al. 2015 PMID: 25741868, with internal and published modifications).

Labcorp Genetics (formerly Invitae), Labcorp
Classification: Likely benign. Last evaluated: 2024-02-13. Review status: criteria provided, single submitter. Criteria: Invitae Variant Classification Sherloc (09022015). Collection method: clinical testing. Allele origin: germline.